The following is an entry in ClinVar:

NM_012471.3(TRPC5):c.2520T>A (p.Pro840=)

Gene: TRPC5 (transient receptor potential cation channel subfamily C member 5; minus strand). Cytogenetic location: Xq23.
Variant type: single nucleotide variant.
Coding change: c.2520T>A on transcript NM_012471.3 (MANE Select); coding-DNA position 2520, T replaced by A.
Protein change: p.Pro840=; no amino-acid change (proline 840 retained).
Molecular consequence: synonymous variant.
Genome position (GRCh38, 1-based): chrX:111,776,715, A>T on the plus strand (T>A on the coding strand, the complement: TRPC5 is on the minus strand). VCF-style: chrX-111776715-A-T. GRCh37 (hg19) VCF-style: chrX-111019943-A-T.
Identifiers: ClinVar variation 3030483 (VCV003030483.2), dbSNP rs889382233, ClinGen allele CA334448399.

ClinVar aggregate classification (germline): Likely benign (0 of 4 stars; one submission).

Conditions:
TRPC5-related disorder. Also called: TRPC5-related condition.

Allele frequency attached by ClinVar (database versions not stated): gnomAD 0.00001; TOPMed 0.00001; gnomAD exomes 0.00002.
gnomAD v4.1: 21 of 1,210,231 alleles (0.0017%); highest among the groups gnomAD compares: Non-Finnish European, 0.0022%; no homozygotes.

Submission:

PreventionGenetics, part of Exact Sciences
Classification: Likely benign for TRPC5-related condition. Last evaluated: 2024-02-15. Review status: no assertion criteria provided. Collection method: clinical testing. Allele origin: germline.
Comment: This variant is classified as likely benign based on ACMG/AMP sequence variant interpretation guidelines (Richards et al. 2015 PMID: 25741868, with internal and published modifications).